The following is an entry in ClinVar:

ClinVar aggregate classification (germline): Uncertain significance. Review status: criteria provided, multiple submitters, no conflicts (2 of 4 stars). 3 submissions from 3 submitters: Uncertain significance (3). Last evaluated 2024-07-29.

Conditions:
Hereditary cancer-predisposing syndrome. Also called: Neoplastic Syndromes, Hereditary; Hereditary Cancer Syndrome; Hereditary neoplastic syndrome; Tumor predisposition. Identifiers: Orphanet 140162, MedGen C0027672, MeSH D009386, MONDO:0015356.
Classic or attenuated familial adenomatous polyposis. Identifiers: MedGen CN372698, MONDO:0021057.

gnomAD v4.1: 3 of 1,613,994 alleles (0.00019%); highest among the groups gnomAD compares: East Asian, 0.0022%; no homozygotes.

Submissions (3):

Color Diagnostics, LLC DBA Color Health
Classification: Uncertain significance for Hereditary cancer-predisposing syndrome. Last evaluated: 2024-07-29. Review status: criteria provided, single submitter. Criteria: ACMG Guidelines, 2015. Collection method: clinical testing. Allele origin: germline.
Comment: This missense variant replaces serine with phenylalanine at codon 2492 of the APC protein. Computational prediction suggests that this variant may not impact protein structure and function (internally defined REVEL score threshold <= 0.5, PMID: 27666373). To our knowledge, functional studies have not been reported for this variant. This variant has not been reported in individuals affected with APC-related disorders in the literature. This variant has not been identified in the general population by the Genome Aggregation Database (gnomAD). The available evidence is insufficient to determine the role of this variant in disease conclusively. Therefore, this variant is classified as a Variant of Uncertain Significance.

Ambry Genetics
Classification: Uncertain significance for Hereditary cancer-predisposing syndrome. Last evaluated: 2023-06-01. Review status: criteria provided, single submitter. Criteria: Ambry Variant Classification Scheme 2023. Collection method: clinical testing. Allele origin: germline.
Comment: The p.S2492F variant (also known as c.7475C>T), located in coding exon 15 of the APC gene, results from a C to T substitution at nucleotide position 7475. The serine at codon 2492 is replaced by phenylalanine, an amino acid with highly dissimilar properties. This amino acid position is conserved. In addition, in silico predictors for this gene do not accurately predict pathogenicity. Since supporting evidence is limited at this time, the clinical significance of this alteration remains unclear.

All of Us Research Program, National Institutes of Health
Classification: Uncertain significance for Classic or attenuated familial adenomatous polyposis. Last evaluated: 2023-04-03. Review status: criteria provided, single submitter. Criteria: ACMG Guidelines, 2015. Collection method: clinical testing. Allele origin: germline. Inheritance: Autosomal dominant inheritance. Observed: 1 variant allele, 1 heterozygote.
Comment: This missense variant replaces serine with phenylalanine at codon 2492 of the APC protein. Computational prediction suggests that this variant may not impact protein structure and function (internally defined REVEL score threshold <= 0.5, PMID: 27666373). To our knowledge, functional studies have not been reported for this variant. This variant has not been reported in individuals affected with APC-related disorders in the literature. This variant has not been identified in the general population by the Genome Aggregation Database (gnomAD). The available evidence is insufficient to determine the role of this variant in disease conclusively. Therefore, this variant is classified as a Variant of Uncertain Significance.

This study involves interpretation of variants in research participants for the purpose of population health screening. Participant phenotype was not available at the time of variant classification. Additional details can be found in publication PMID: 35346344, PMCID: PMC8962531

NM_000038.6(APC):c.7475C>T (p.Ser2492Phe)

Gene: APC (APC regulator of Wnt signaling pathway; plus strand). Cytogenetic location: 5q22.2.
Variant type: single nucleotide variant.
Coding change: c.7475C>T on transcript NM_000038.6 (MANE Select); coding-DNA position 7475, C replaced by T.
Protein change: p.Ser2492Phe; replaces serine 2492 with phenylalanine.
Molecular consequence: missense variant. On other transcripts: non-coding transcript variant (2).
Genome position (GRCh38, 1-based): chr5:112,843,069, C>T. VCF-style: chr5-112843069-C-T. GRCh37 (hg19) VCF-style: chr5-112178766-C-T.
Other names: c.7475C>T, p.Ser2492Phe (NM_001127510.3, NM_001354895.2, NM_001407450.1); c.7421C>T, p.Ser2474Phe (NM_001127511.3); c.7529C>T, p.Ser2510Phe (NM_001354896.2, NM_001407447.1, NM_001407448.1 and 1 more transcripts); c.7505C>T, p.Ser2502Phe (NM_001354897.2); c.7400C>T, p.Ser2467Phe (NM_001354898.2); c.7391C>T, p.Ser2464Phe (NM_001354899.2); c.7352C>T, p.Ser2451Phe (NM_001354900.2); c.7298C>T, p.Ser2433Phe (NM_001354901.2, NM_001407453.1); and 11 more; short protein forms S2409F, S2510F, S2520F, S2332F, S2401F, S2474F, S2485F, S2209F.
Identifiers: ClinVar variation 2561155 (VCV002561155.4), dbSNP rs1766489033, ClinGen allele CA16037595.